The following is an entry in ClinVar:

NM_001347721.2(DYRK1A):c.1644+64T>G

Gene: DYRK1A (dual specificity tyrosine phosphorylation regulated kinase 1A; plus strand). Cytogenetic location: 21q22.13.
Variant type: single nucleotide variant.
Coding change: c.1644+64T>G on transcript NM_001347721.2 (MANE Select); 64 bases into the intron after coding-DNA position 1644, T replaced by G.
Molecular consequence: intron variant. On other transcripts: missense variant (1).
Genome position (GRCh38, 1-based): chr21:37,506,287, T>G. VCF-style: chr21-37506287-T-G. GRCh37 (hg19) VCF-style: chr21-38878590-T-G.
Other names: c.1735T>G, p.Cys579Gly (NM_101395.2); c.1671+64T>G (NM_001396.5); c.1644+64T>G (NM_001347722.2, NM_130436.2); c.1557+64T>G (NM_001347723.2); c.1546+698T>G (NM_130438.2); short protein forms C579G.
Identifiers: ClinVar variation 516969 (VCV000516969.7), dbSNP rs192365148, ClinGen allele CA10024043.

ClinVar aggregate classification (germline): Benign/Likely benign. Review status: criteria provided, multiple submitters, no conflicts (2 of 4 stars). 5 submissions from 5 submitters: Benign (2); Likely benign (2). 1 of the submissions does not count toward it. Last evaluated 2026-04-01.

Conditions:
DYRK1A-related disorder.

Allele frequency attached by ClinVar (database versions not stated): gnomAD exomes 0.00022 and 0.00059; ExAC 0.00093; 1000 Genomes Project 0.00200; 1000 Genomes Project 30x 0.00219; gnomAD 0.00229 and 0.00250; TOPMed 0.00264; ESP Exome Variant Server 0.00300.
gnomAD v4.1: 683 of 1,613,274 alleles (0.042%); highest among the groups gnomAD compares: African/African-American, 0.78%; 4 homozygotes.

Submissions (5):

CeGaT Center for Human Genetics Tuebingen
Classification: Likely benign. Last evaluated: 2026-04-01. Review status: criteria provided, single submitter. Criteria: CeGaT Center For Human Genetics Tuebingen Variant Classification Criteria Version 2. Collection method: clinical testing. Allele origin: germline. Affected: yes. Observed: 1 variant allele.
Comment: DYRK1A: BP4, BS1

Blueprint Genetics
Classification: Likely benign. Last evaluated: 2024-02-16. Review status: criteria provided, single submitter. Criteria: ACMG Guidelines, 2015. Collection method: clinical testing. Allele origin: germline.

GeneDx
Classification: Benign. Last evaluated: 2017-04-06. Review status: criteria provided, single submitter. Criteria: GeneDx Variant Classification (06012015). Collection method: clinical testing. Allele origin: germline. Affected: yes.
Comment: This variant is considered likely benign or benign based on one or more of the following criteria: it is a conservative change, it occurs at a poorly conserved position in the protein, it is predicted to be benign by multiple in silico algorithms, and/or has population frequency not consistent with disease.

Breakthrough Genomics
Classification: Benign. Review status: criteria provided, single submitter. Criteria: ACMG Guidelines, 2015. Collection method: not provided. Allele origin: germline. Inheritance: Autosomal dominant inheritance. Affected: yes.

PreventionGenetics, part of Exact Sciences
Classification: Benign for DYRK1A-related condition. Last evaluated: 2022-06-21. Review status: no assertion criteria provided. Collection method: clinical testing. Allele origin: germline. Not counted in ClinVar's aggregate classification.
Comment: This variant is classified as benign based on ACMG/AMP sequence variant interpretation guidelines (Richards et al. 2015 PMID: 25741868, with internal and published modifications).